The following is an entry in ClinVar:

ClinVar aggregate classification (germline): Uncertain significance (1 of 4 stars; one submission).

Submission:

Ambry Genetics
Classification: Uncertain significance. Last evaluated: 2022-12-23. Review status: criteria provided, single submitter. Criteria: Ambry Variant Classification Scheme 2023. Collection method: clinical testing. Allele origin: germline.
Comment: The p.R637L variant (also known as c.1910G>T), located in coding exon 1 of the MLH3 gene, results from a G to T substitution at nucleotide position 1910. The arginine at codon 637 is replaced by leucine, an amino acid with dissimilar properties. This amino acid position is conserved. In addition, this alteration is predicted to be tolerated by in silico analysis. Since supporting evidence is limited at this time, the clinical significance of this alteration remains unclear.

NM_001040108.2(MLH3):c.1910G>T (p.Arg637Leu)

Gene: MLH3 (mutL homolog 3; minus strand). Cytogenetic location: 14q24.3.
Variant type: single nucleotide variant.
Coding change: c.1910G>T on transcript NM_001040108.2 (MANE Select); coding-DNA position 1910, G replaced by T.
Protein change: p.Arg637Leu; replaces arginine 637 with leucine.
Molecular consequence: missense variant.
Genome position (GRCh38, 1-based): chr14:75,047,746, C>A on the plus strand (G>T on the coding strand, the complement: MLH3 is on the minus strand). VCF-style: chr14-75047746-C-A. GRCh37 (hg19) VCF-style: chr14-75514449-C-A.
Other names: c.1910G>T, p.Arg637Leu (NM_014381.3); short protein forms R637L.
Identifiers: ClinVar variation 2448632 (VCV002448632.2), dbSNP rs374740611, ClinGen allele CA390443817.